The following is an entry in ClinVar:

ClinVar aggregate classification (germline): Uncertain significance. Review status: criteria provided, multiple submitters, no conflicts (2 of 4 stars). 2 submissions from 2 submitters: Uncertain significance (2). Last evaluated 2022-07-13.

Conditions:
Bartter disease type 1. Also called: Bartter syndrome, type 1, antenatal; HYPERPROSTAGLANDIN E SYNDROME 1; HYPOKALEMIC ALKALOSIS WITH HYPERCALCIURIA 1, ANTENATAL; Bartter Syndrome type 1. Identifiers: Orphanet 112, Orphanet 620217, MedGen C1866495, MONDO:0100344, OMIM 601678, MONDO:0011127.

Allele frequency attached by ClinVar (database versions not stated): ExAC 0.00002; gnomAD exomes 0.00002 and 0.00006; gnomAD 0.00003; TOPMed 0.00006.
gnomAD v4.1: 32 of 1,613,912 alleles (0.002%); highest among the groups gnomAD compares: Admixed American, 0.037%; no homozygotes.

Submissions (2):

Labcorp Genetics (formerly Invitae), Labcorp
Classification: Uncertain significance. Last evaluated: 2022-07-13. Review status: criteria provided, single submitter. Criteria: Invitae Variant Classification Sherloc (09022015). Collection method: clinical testing. Allele origin: germline.
Comment: This sequence change replaces threonine, which is neutral and polar, with alanine, which is neutral and non-polar, at codon 40 of the SLC12A1 protein (p.Thr40Ala). This variant is present in population databases (rs772144467, gnomAD 0.04%). This variant has not been reported in the literature in individuals affected with SLC12A1-related conditions. ClinVar contains an entry for this variant (Variation ID: 1375998). Algorithms developed to predict the effect of missense changes on protein structure and function output the following: SIFT: "Tolerated"; PolyPhen-2: "Benign"; Align-GVGD: "Class C0". The alanine amino acid residue is found in multiple mammalian species, which suggests that this missense change does not adversely affect protein function. In summary, the available evidence is currently insufficient to determine the role of this variant in disease. Therefore, it has been classified as a Variant of Uncertain Significance.

Fulgent Genetics
Classification: Uncertain significance for Bartter disease type 1. Last evaluated: 2022-03-11. Review status: criteria provided, single submitter. Criteria: ACMG Guidelines, 2015. Collection method: clinical testing. Allele origin: unknown.

NM_000338.3(SLC12A1):c.118A>G (p.Thr40Ala)

Gene: SLC12A1 (solute carrier family 12 member 1; plus strand). Cytogenetic location: 15q21.1.
Variant type: single nucleotide variant.
Coding change: c.118A>G on transcript NM_000338.3 (MANE Select); coding-DNA position 118, A replaced by G.
Protein change: p.Thr40Ala; replaces threonine 40 with alanine.
Molecular consequence: missense variant.
Genome position (GRCh38, 1-based): chr15:48,207,837, A>G. VCF-style: chr15-48207837-A-G. GRCh37 (hg19) VCF-style: chr15-48500034-A-G.
Other names: c.118A>G, p.Thr40Ala (NM_001184832.2, NM_001384136.1); short protein forms T40A.
Identifiers: ClinVar variation 1375998 (VCV001375998.4), dbSNP rs772144467, ClinGen allele CA7546692.